The following is an entry in ClinVar:

ClinVar aggregate classification (germline): Uncertain significance (1 of 4 stars; one submission).

Conditions:
Congenital glaucoma. Identifiers: MedGen C0020302, MONDO:0020366.

Allele frequency attached by ClinVar (database versions not stated): gnomAD exomes below 0.00001.
gnomAD v4.1: 1 of 1,612,982 alleles (0.000062%); highest among the groups gnomAD compares: Admixed American, 0.0017%; no homozygotes.

Submission:

Labcorp Genetics (formerly Invitae), Labcorp
Classification: Uncertain significance for Congenital glaucoma. Last evaluated: 2023-10-13. Review status: criteria provided, single submitter. Criteria: Invitae Variant Classification Sherloc (09022015). Collection method: clinical testing. Allele origin: germline.
Comment: This sequence change falls in intron 2 of the CYP1B1 gene. It does not directly change the encoded amino acid sequence of the CYP1B1 protein. It affects a nucleotide within the consensus splice site. This variant is present in population databases (no rsID available, gnomAD 0.003%). This variant has not been reported in the literature in individuals affected with CYP1B1-related conditions. ClinVar contains an entry for this variant (Variation ID: 965574). Variants that disrupt the consensus splice site are a relatively common cause of aberrant splicing (PMID: 17576681, 9536098). Algorithms developed to predict the effect of sequence changes on RNA splicing suggest that this variant is not likely to affect RNA splicing. In summary, the available evidence is currently insufficient to determine the role of this variant in disease. Therefore, it has been classified as a Variant of Uncertain Significance.

Literature cited by the submitters: PubMed 17576681; PubMed 9536098.

NM_000104.4(CYP1B1):c.1043+6G>C

Gene: CYP1B1 (cytochrome P450 family 1 subfamily B member 1; minus strand). Cytogenetic location: 2p22.2.
Variant type: single nucleotide variant.
Coding change: c.1043+6G>C on transcript NM_000104.4 (MANE Select); 6 bases into the intron after coding-DNA position 1043, G replaced by C.
Molecular consequence: intron variant.
Genome position (GRCh38, 1-based): chr2:38,074,340, C>G on the plus strand (G>C on the coding strand, the complement: CYP1B1 is on the minus strand). VCF-style: chr2-38074340-C-G. GRCh37 (hg19) VCF-style: chr2-38301483-C-G.
Identifiers: ClinVar variation 965574 (VCV000965574.10), dbSNP rs1404755887, ClinGen allele CA532236907.